The following is an entry in ClinVar:

ClinVar aggregate classification (germline): Uncertain significance (1 of 4 stars; one submission).

Conditions:
HECTD4-related disorder. Also called: HECTD4-related condition.

Submission:

PreventionGenetics, part of Exact Sciences
Classification: Uncertain significance for HECTD4-related condition. Last evaluated: 2023-07-26. Review status: criteria provided, single submitter. Criteria: ACMG Guidelines, 2015. Collection method: clinical testing. Allele origin: germline.
Comment: The HECTD4 c.9698T>C variant is predicted to result in the amino acid substitution p.Leu3233Pro. To our knowledge, this variant has not been reported in the literature or in a large population database, indicating this variant is rare. At this time, the clinical significance of this variant is uncertain due to the absence of conclusive functional and genetic evidence.

NM_001388303.1(HECTD4):c.10100T>C (p.Leu3367Pro)

Gene: HECTD4 (HECT domain E3 ubiquitin protein ligase 4; minus strand). Cytogenetic location: 12q24.13.
Variant type: single nucleotide variant.
Coding change: c.10100T>C on transcript NM_001388303.1 (MANE Select); coding-DNA position 10100, T replaced by C.
Protein change: p.Leu3367Pro; replaces leucine 3367 with proline.
Molecular consequence: missense variant.
Genome position (GRCh38, 1-based): chr12:112,184,866, A>G on the plus strand (T>C on the coding strand, the complement: HECTD4 is on the minus strand). VCF-style: chr12-112184866-A-G. GRCh37 (hg19) VCF-style: chr12-112622670-A-G.
Other names: c.10130T>C, p.Leu3377Pro (NM_001109662.4); short protein forms L3367P, L3377P.
Identifiers: ClinVar variation 2631742 (VCV002631742.1), dbSNP rs2499776912, ClinGen allele CA386772018.